The following is an entry in ClinVar:

ClinVar aggregate classification (germline): Uncertain significance (1 of 4 stars; one submission).

Conditions:
Long QT syndrome (LQTS). Identifiers: MedGen C0023976, MeSH D008133, MONDO:0002442. Disease mechanism: loss of function. Inheritance: Various modes of inheritance.

Submission:

Labcorp Genetics (formerly Invitae), Labcorp
Classification: Uncertain significance for Long QT syndrome. Last evaluated: 2023-10-17. Review status: criteria provided, single submitter. Criteria: Invitae Variant Classification Sherloc (09022015). Collection method: clinical testing. Allele origin: germline.
Comment: This sequence change replaces alanine, which is neutral and non-polar, with threonine, which is neutral and polar, at codon 752 of the CACNA1C protein (p.Ala752Thr). This variant is not present in population databases (gnomAD no frequency). This variant has not been reported in the literature in individuals affected with CACNA1C-related conditions. Advanced modeling of protein sequence and biophysical properties (such as structural, functional, and spatial information, amino acid conservation, physicochemical variation, residue mobility, and thermodynamic stability) performed at Invitae indicates that this missense variant is expected to disrupt CACNA1C protein function. In summary, the available evidence is currently insufficient to determine the role of this variant in disease. Therefore, it has been classified as a Variant of Uncertain Significance.

NM_000719.7(CACNA1C):c.2254G>A (p.Ala752Thr)

Gene: CACNA1C (calcium voltage-gated channel subunit alpha1 C; plus strand). Cytogenetic location: 12p13.33.
Variant type: single nucleotide variant.
Coding change: c.2254G>A on transcript NM_000719.7 (MANE Select); coding-DNA position 2254, G replaced by A.
Protein change: p.Ala752Thr; replaces alanine 752 with threonine.
Molecular consequence: missense variant.
Genome position (GRCh38, 1-based): chr12:2,584,532, G>A. VCF-style: chr12-2584532-G-A. GRCh37 (hg19) VCF-style: chr12-2693698-G-A.
Other names: c.2254G>A, p.Ala752Thr (NM_001129836.2, NM_001129837.2, NM_001129838.2 and 18 more transcripts); c.2245G>A, p.Ala749Thr (NM_001129844.2); short protein forms A752T, A749T.
Identifiers: ClinVar variation 2765068 (VCV002765068.3), dbSNP rs2515280433, ClinGen allele CA383371398.